The following is an entry in ClinVar:

NM_001009944.3(PKD1):c.9585G>A (p.Trp3195Ter)

Gene: PKD1 (polycystin 1, transient receptor potential channel interacting; minus strand). Cytogenetic location: 16p13.3.
Variant type: single nucleotide variant.
Coding change: c.9585G>A on transcript NM_001009944.3 (MANE Select); coding-DNA position 9585, G replaced by A.
Protein change: p.Trp3195Ter; replaces tryptophan 3195 with a stop codon.
Molecular consequence: nonsense.
Genome position (GRCh38, 1-based): chr16:2,100,293, C>T on the plus strand (G>A on the coding strand, the complement: PKD1 is on the minus strand). VCF-style: chr16-2100293-C-T. GRCh37 (hg19) VCF-style: chr16-2150294-C-T.
Other names: c.9585G>A (NM_001009944.2); c.9585G>A, p.Trp3195Ter (NM_000296.4); short protein forms W3195*.
Identifiers: ClinVar variation 811842 (VCV000811842.12), dbSNP rs1596514027, ClinGen allele CA394355536.

ClinVar aggregate classification (germline): Pathogenic. Review status: criteria provided, multiple submitters, no conflicts (2 of 4 stars). 4 submissions from 4 submitters: Pathogenic (2). 2 of the submissions do not count toward it. Last evaluated 2023-10-03.

Conditions:
Polycystic kidney disease. Also called: Polycystic kidney dysplasia; Kidney, Polycystic. Identifiers: MedGen C0022680, MeSH D007690, MONDO:0020642, HP:0000113.
PKD1-related disorder. Also called: PKD1-related condition.
Polycystic kidney disease, adult type (PKD1). Also called: Polycystic Kidney Disease 1, Autosomal Dominant; Polycystic kidney disease 1; Polycystic kidney disease 1, severe; Polycystic Kidney, Autosomal Dominant; POLYCYSTIC KIDNEY DISEASE, ADULT, TYPE I; POLYCYSTIC KIDNEY DISEASE 1 WITH OR WITHOUT POLYCYSTIC LIVER DISEASE. Identifiers: MedGen C3149841, MONDO:0008263, OMIM 173900.

Submissions (4):

Blueprint Genetics
Classification: Pathogenic for PKD1-related disorders. Last evaluated: 2023-10-03. Review status: criteria provided, single submitter. Criteria: ACMG Guidelines, 2015. Collection method: clinical testing. Allele origin: germline. Affected: yes. Observed: 1 variant allele.

ARUP Laboratories, Molecular Genetics and Genomics, ARUP Laboratories
Classification: Pathogenic for Polycystic kidney disease, adult type. Last evaluated: 2018-11-23. Review status: criteria provided, single submitter. Criteria: ARUP Molecular Germline Variant Investigation Process. Collection method: clinical testing. Allele origin: germline.
Comment: The PKD1 c.9585G>A; p.Trp3195Ter variant is reported in the literature in an individual affected with autosomal dominant polycystic kidney disease (ADPKD) (Neumann 2013). This variant induces an early termination codon and is predicted to result in a truncated protein or mRNA subject to nonsense-mediated decay. Additionally, another nonsense variant at the same codon, c.9584G>A; p.Trp3195Ter, has been reported in an individual with ADPKD (Obeidova 2014). The c.9585G>A; p.Trp3195Ter variant is absent from general population databases (Exome Variant Server, Genome Aggregation Database), indicating it is not a common polymorphism. Based on available information, this variant is considered to be pathogenic. References: Neumann HP et al. Epidemiology of autosomal-dominant polycystic kidney disease: an in-depth clinical study for south-western Germany. Nephrol Dial Transplant. 2013 Jun;28(6):1472-87. Obeidova L et al. Novel mutations of PKD genes in the Czech population with autosomal dominant polycystic kidney disease. BMC Med Genet. 2014 Apr 3;15:41.

PreventionGenetics, part of Exact Sciences
Classification: Pathogenic for PKD1-related condition. Last evaluated: 2024-02-29. Review status: no assertion criteria provided. Collection method: clinical testing. Allele origin: germline. Not counted in ClinVar's aggregate classification.
Comment: The PKD1 c.9585G>A variant is predicted to result in premature protein termination (p.Trp3195*). This variant has been reported in individuals with autosomal dominant polycystic kidney disease (ADPKD) (Neumann et al. 2013. PubMed ID: 23300259; Kim et al. 2019. PubMed ID: 31740684, Supplementary Table S6A). This variant has not been reported in a large population database, indicating this variant is rare. Nonsense variants in PKD1 are expected to be pathogenic. This variant is interpreted as pathogenic.

Department of Pathology and Laboratory Medicine, Sinai Health System
Classification: Pathogenic for Polycystic Kidney disease. Review status: no assertion criteria provided. Collection method: clinical testing. Allele origin: unknown. Affected: yes. Study: The Canadian Open Genetics Repository (COGR). Not counted in ClinVar's aggregate classification.
Comment: The PKD1 p.Trp3195X variant was identified in 1 of 112 proband chromosomes (frequency: 0.01) from individuals or families with ADPKD (Obeidova 2014). The variant was not identified in dbSNP, ClinVar, Clinvitae, GeneInsight-COGR, LOVD 3.0, ADPKD Mutation Database, PKD1-LOVD, databases. The variant was not identified in the following control databases: the 1000 Genomes Project, the NHLBI GO Exome Sequencing Project, the Exome Aggregation Consortium (August 8th 2016), or the Genome Aggregation Database (Feb 27, 2017). The p.Trp3195X variant leads to a premature stop codon at position 3195 which is predicted to lead to a truncated or absent protein and loss of function. Loss of function variants of the PKD1 gene are an established mechanism of disease in ADPKD and is the type of variant expected to cause the disorder. In summary, based on the above information this variant meets our laboratoryâ€šÃ„Ã´s criteria to be classified as pathogenic.